The following is an entry in ClinVar:

ClinVar aggregate classification (germline): Benign (1 of 4 stars; one submission).

Allele frequency attached by ClinVar (database versions not stated): 1000 Genomes Project 0.02097; 1000 Genomes Project 30x 0.02202; TOPMed 0.04429; gnomAD 0.04631 and 0.04849.
gnomAD v4.1: 7,158 of 152,270 alleles (4.7%); highest among the groups gnomAD compares: Non-Finnish European, 6.5%; 245 homozygotes.

Submission:

GeneDx
Classification: Benign. Last evaluated: 2018-06-19. Review status: criteria provided, single submitter. Criteria: GeneDx Variant Classification (06012015). Collection method: clinical testing. Allele origin: germline. Affected: yes.
Comment: This variant is considered likely benign or benign based on one or more of the following criteria: it is a conservative change, it occurs at a poorly conserved position in the protein, it is predicted to be benign by multiple in silico algorithms, and/or has population frequency not consistent with disease.

NM_018979.4(WNK1):c.5583+187T>G

Gene: WNK1 (WNK lysine deficient protein kinase 1; plus strand). Cytogenetic location: 12p13.33.
Variant type: single nucleotide variant.
Coding change: c.5583+187T>G on transcript NM_018979.4 (MANE Select); 187 bases into the intron after coding-DNA position 5583, T replaced by G.
Molecular consequence: intron variant.
Genome position (GRCh38, 1-based): chr12:894,822, T>G. VCF-style: chr12-894822-T-G. GRCh37 (hg19) VCF-style: chr12-1003988-T-G.
Other names: c.6339+187T>G (NM_213655.5); c.6363+187T>G (NM_001184985.2); c.4839+187T>G (NM_014823.3).
Identifiers: ClinVar variation 672338 (VCV000672338.1), dbSNP rs56291311, ClinGen allele CA231485618.
Genomic context (GRCh38, chr12:894,822, plus strand): 5'-AGCTCTTTTTAGCATTTTCCTAATAAAAGTAATATATACTAAATAAAATATAGAAATACT[T>G]AGAACAGTAGAGACACGGTAGATAGTCGTACTATCTATCCACCCACCTCCCAAGATTACT-3'